The following is an entry in ClinVar:

ClinVar aggregate classification (germline): Uncertain significance (1 of 4 stars; one submission).

Allele frequency attached by ClinVar (database versions not stated): gnomAD exomes below 0.00001.
gnomAD v4.1: 1 of 1,614,150 alleles (0.000062%); highest among the groups gnomAD compares: Non-Finnish European, 0.000085%; no homozygotes.

Submission:

Labcorp Genetics (formerly Invitae), Labcorp
Classification: Uncertain significance. Last evaluated: 2022-07-05. Review status: criteria provided, single submitter. Criteria: Invitae Variant Classification Sherloc (09022015). Collection method: clinical testing. Allele origin: germline.
Comment: In summary, the available evidence is currently insufficient to determine the role of this variant in disease. Therefore, it has been classified as a Variant of Uncertain Significance. Algorithms developed to predict the effect of missense changes on protein structure and function are either unavailable or do not agree on the potential impact of this missense change (SIFT: "Deleterious"; PolyPhen-2: "Probably Damaging"; Align-GVGD: "Class C0"). ClinVar contains an entry for this variant (Variation ID: 1450106). This variant has not been reported in the literature in individuals affected with ARCN1-related conditions. This variant is not present in population databases (gnomAD no frequency). This sequence change replaces phenylalanine, which is neutral and non-polar, with leucine, which is neutral and non-polar, at codon 353 of the ARCN1 protein (p.Phe353Leu).

NM_001655.5(ARCN1):c.1059T>G (p.Phe353Leu)

Gene: ARCN1 (archain 1 coat protein complex I subunit delta; plus strand). Cytogenetic location: 11q23.3.
Variant type: single nucleotide variant.
Coding change: c.1059T>G on transcript NM_001655.5 (MANE Select); coding-DNA position 1059, T replaced by G.
Protein change: p.Phe353Leu; replaces phenylalanine 353 with leucine.
Molecular consequence: missense variant.
Genome position (GRCh38, 1-based): chr11:118,592,783, T>G. VCF-style: chr11-118592783-T-G. GRCh37 (hg19) VCF-style: chr11-118463498-T-G.
Other names: c.795T>G, p.Phe265Leu (NM_001142281.2); short protein forms F353L, F265L.
Identifiers: ClinVar variation 1450106 (VCV001450106.8), dbSNP rs2135551791, ClinGen allele CA382812746.
Genomic context (GRCh38, chr11:118,592,783, plus strand): 5'-GGATAAAAAACTTTTCACTGCAGAGTCTCTAATTGGCCTGAAGAATCCAGAGAAGTCATT[T>G]CCAGTCAACAGTGACGTAGGGGTGCTAAAGTGGAGACTACAAACCACAGAGGAATCTTTT-3'
Protein context (NP_001646.2, residues 343-363): LIGLKNPEKS[Phe353Leu]PVNSDVGVLK